The following is an entry in ClinVar:

ClinVar aggregate classification (germline): Uncertain significance (1 of 4 stars; one submission).

Submission:

Ambry Genetics
Classification: Uncertain significance. Last evaluated: 2024-12-20. Review status: criteria provided, single submitter. Criteria: Ambry Variant Classification Scheme 2023. Collection method: clinical testing. Allele origin: germline.
Comment: The p.S4T variant (also known as c.10T>A), located in coding exon 1 of the GFI1 gene, results from a T to A substitution at nucleotide position 10. The serine at codon 4 is replaced by threonine, an amino acid with similar properties. This amino acid position is conserved. In addition, this alteration is predicted to be tolerated by in silico analysis. Based on the available evidence, the clinical significance of this variant remains unclear.

NM_005263.5(GFI1):c.10T>A (p.Ser4Thr)

Gene: GFI1 (growth factor independent 1 transcriptional repressor; minus strand). Cytogenetic location: 1p22.1.
Variant type: single nucleotide variant.
Coding change: c.10T>A on transcript NM_005263.5 (MANE Select); coding-DNA position 10, T replaced by A.
Protein change: p.Ser4Thr; replaces serine 4 with threonine.
Molecular consequence: missense variant.
Genome position (GRCh38, 1-based): chr1:92,483,478, A>T on the plus strand (T>A on the coding strand, the complement: GFI1 is on the minus strand). VCF-style: chr1-92483478-A-T. GRCh37 (hg19) VCF-style: chr1-92949035-A-T.
Other names: c.10T>A, p.Ser4Thr (NM_001127215.3, NM_001127216.3); short protein forms S4T.
Identifiers: ClinVar variation 3853660 (VCV003853660.1).